The following is an entry in ClinVar:

NM_023935.3(DDRGK1):c.550C>T (p.Arg184Trp)

Gene: DDRGK1 (DDRGK domain containing 1; minus strand). Cytogenetic location: 20p13.
Variant type: single nucleotide variant.
Coding change: c.550C>T on transcript NM_023935.3 (MANE Select); coding-DNA position 550, C replaced by T.
Protein change: p.Arg184Trp; replaces arginine 184 with tryptophan.
Molecular consequence: missense variant.
Genome position (GRCh38, 1-based): chr20:3,195,314, G>A on the plus strand (C>T on the coding strand, the complement: DDRGK1 is on the minus strand). VCF-style: chr20-3195314-G-A. GRCh37 (hg19) VCF-style: chr20-3175960-G-A.
Other names: short protein forms R184W.
Identifiers: ClinVar variation 1437991 (VCV001437991.5), dbSNP rs779149576, ClinGen allele CA9740873.
Genomic context (GRCh38, chr20:3,195,314, plus strand): 5'-CTACGCCTTCCTCCTCCACCACAAAGGCCTCCTTCAGTTTCAGGTACTCCTCATGCTCCC[G>A]CTGGGCCTGCTCCTCGCGGGCCTTCCTCTCCTCCTCCTCCTGTGGACATAGGAGGCAAAA-3'
Protein context (NP_076424.1, residues 174-194): ERKAREEQAQ[Arg184Trp]EHEEYLKLKE

ClinVar aggregate classification (germline): Uncertain significance (1 of 4 stars; one submission).

Allele frequency attached by ClinVar (database versions not stated): gnomAD 0.00001 and 0.00002; TOPMed 0.00002; ExAC 0.00007; gnomAD exomes 0.00008.
gnomAD v4.1: 43 of 1,611,536 alleles (0.0027%); highest among the groups gnomAD compares: East Asian, 0.047%; no homozygotes.

Submission:

Labcorp Genetics (formerly Invitae), Labcorp
Classification: Uncertain significance. Last evaluated: 2025-05-05. Review status: criteria provided, single submitter. Criteria: Invitae Variant Classification Sherloc (09022015). Collection method: clinical testing. Allele origin: germline.
Comment: This sequence change replaces arginine, which is basic and polar, with tryptophan, which is neutral and slightly polar, at codon 184 of the DDRGK1 protein (p.Arg184Trp). This variant is present in population databases (rs779149576, gnomAD 0.08%). This variant has not been reported in the literature in individuals affected with DDRGK1-related conditions. ClinVar contains an entry for this variant (Variation ID: 1437991). An algorithm developed to predict the effect of missense changes on protein structure and function (PolyPhen-2) suggests that this variant is likely to be disruptive. In summary, the available evidence is currently insufficient to determine the role of this variant in disease. Therefore, it has been classified as a Variant of Uncertain Significance.